The following is an entry in ClinVar:

ClinVar aggregate classification (germline): Uncertain significance (1 of 4 stars; one submission).

Conditions:
Cardiac, facial, and digital anomalies with developmental delay. Identifiers: Orphanet 592570, MedGen C4748484, MONDO:0032572, OMIM 618164.

gnomAD v4.1: 1 of 1,611,278 alleles (0.000062%); no homozygotes.

Submission:

Neuberg Centre For Genomic Medicine, NCGM
Classification: Uncertain significance for Cardiac, facial, and digital anomalies with developmental delay. Last evaluated: 2023-05-20. Review status: criteria provided, single submitter. Criteria: ACMG Guidelines, 2015. Collection method: clinical testing. Allele origin: germline. Inheritance: Autosomal dominant inheritance. Affected: yes.
Comment: The observed missense c.1795G>A(p.Val599Met) variant in TRAF7 gene has not been reported previously as a pathogenic variant nor as a benign variant, to our knowledge. The p.Val599Met variant is absent in gnomAD Exomes database. This variant has not been submitted to the ClinVar database. Computational evidence (Polyphen - probably damaging, SIFT - Tolerated and MutationTaster -disease causing) predicts conflicting evidence on protein structure and function for this variant. The amino acid Val at position 599 is changed to a Met changing protein sequence and it might alter its composition and physico-chemical properties. The amino acid change p.Val599Met in TRAF7 is predicted as conserved by GERP++ and PhyloP across 100 vertebrates. For these reasons, this variant has been classified as Variant of Uncertain Significance (VUS).

NM_032271.3(TRAF7):c.1795G>A (p.Val599Met)

Gene: TRAF7 (TNF receptor associated factor 7; plus strand). Cytogenetic location: 16p13.3.
Variant type: single nucleotide variant.
Coding change: c.1795G>A on transcript NM_032271.3 (MANE Select); coding-DNA position 1795, G replaced by A.
Protein change: p.Val599Met; replaces valine 599 with methionine.
Molecular consequence: missense variant.
Genome position (GRCh38, 1-based): chr16:2,176,097, G>A. VCF-style: chr16-2176097-G-A. GRCh37 (hg19) VCF-style: chr16-2226098-G-A.
Other names: short protein forms V599M.
Identifiers: ClinVar variation 3367030 (VCV003367030.1).